The following is an entry in ClinVar:

ClinVar aggregate classification (germline): Benign/Likely benign. Review status: criteria provided, multiple submitters, no conflicts (2 of 4 stars). 4 submissions from 4 submitters: Benign (1); Likely benign (3). Last evaluated 2026-06-25.

Conditions:
Retinoblastoma (RB1). Also called: RETINOBLASTOMA, SOMATIC. Identifiers: Orphanet 790, MedGen C0035335, MeSH D012175, MONDO:0008380, OMIM 180200, HP:0009919. Disease mechanism: loss of function. Inheritance: Both sporadic and heritable forms are tested..
Hereditary cancer-predisposing syndrome. Also called: Neoplastic Syndromes, Hereditary; Hereditary Cancer Syndrome; Hereditary neoplastic syndrome; Tumor predisposition. Identifiers: Orphanet 140162, MedGen C0027672, MeSH D009386, MONDO:0015356.

gnomAD v4.1: 42 of 1,614,028 alleles (0.0026%); highest among the groups gnomAD compares: Non-Finnish European, 0.0034%; no homozygotes.

Submissions (4):

Myriad Genetics, Inc.
Classification: Benign for Retinoblastoma. Last evaluated: 2026-06-25. Review status: criteria provided, single submitter. Criteria: Myriad Autosomal Dominant, Autosomal Recessive and X-Linked Classification Criteria (2023). Collection method: clinical testing. Allele origin: unknown.
Comment: This variant is considered benign. This variant is a silent/synonymous amino acid change and it is not expected to impact splicing.

Labcorp Genetics (formerly Invitae), Labcorp
Classification: Likely benign for Retinoblastoma. Last evaluated: 2025-10-06. Review status: criteria provided, single submitter. Criteria: Invitae Variant Classification Sherloc (09022015). Collection method: clinical testing. Allele origin: germline.

All of Us Research Program, National Institutes of Health
Classification: Likely benign for Retinoblastoma. Last evaluated: 2023-10-06. Review status: criteria provided, single submitter. Criteria: ACMG Guidelines, 2015. Collection method: clinical testing. Allele origin: germline. Inheritance: Autosomal dominant inheritance. Observed: 2 variant alleles, 2 heterozygotes.
Comment: This study involves interpretation of variants in research participants for the purpose of population health screening. Participant phenotype was not available at the time of variant classification. Additional details can be found in publication PMID: 35346344, PMCID: PMC8962531

Ambry Genetics
Classification: Likely benign for Hereditary cancer-predisposing syndrome. Last evaluated: 2019-03-22. Review status: criteria provided, single submitter. Criteria: Ambry Variant Classification Scheme 2023. Collection method: clinical testing. Allele origin: germline.

NM_000321.3(RB1):c.1992A>G (p.Thr664=)

Gene: RB1 (RB transcriptional corepressor 1; plus strand). Cytogenetic location: 13q14.2.
Variant type: single nucleotide variant.
Coding change: c.1992A>G on transcript NM_000321.3 (MANE Select); coding-DNA position 1992, A replaced by G.
Protein change: p.Thr664=; no amino-acid change (threonine 664 retained).
Molecular consequence: synonymous variant.
Genome position (GRCh38, 1-based): chr13:48,459,719, A>G. VCF-style: chr13-48459719-A-G. GRCh37 (hg19) VCF-style: chr13-49033855-A-G.
Identifiers: ClinVar variation 527948 (VCV000527948.18), dbSNP rs755417160, ClinGen allele CA033667.